The following is an entry in ClinVar:

NM_000038.6(APC):c.951A>G (p.Ser317=)

Gene: APC (APC regulator of Wnt signaling pathway; plus strand). Cytogenetic location: 5q22.2.
Variant type: single nucleotide variant.
Coding change: c.951A>G on transcript NM_000038.6 (MANE Select); coding-DNA position 951, A replaced by G.
Protein change: p.Ser317=; no amino-acid change (serine 317 retained).
Molecular consequence: synonymous variant. On other transcripts: intron variant (4).
Genome position (GRCh38, 1-based): chr5:112,818,983, A>G. VCF-style: chr5-112818983-A-G. GRCh37 (hg19) VCF-style: chr5-112154680-A-G.
Other names: c.951A>G, p.Ser317= (NM_001127510.3, NM_001354895.2, NM_001354896.2); c.897A>G, p.Ser299= (NM_001127511.3); c.981A>G, p.Ser327= (NM_001354897.2); c.876A>G, p.Ser292= (NM_001354898.2); c.867A>G, p.Ser289= (NM_001354899.2); c.774A>G, p.Ser258= (NM_001354900.2, NM_001354901.2); c.102A>G, p.Ser34= (NM_001354906.2); c.964-286A>G (NM_001354902.2); and 3 more.
Identifiers: ClinVar variation 823305 (VCV000823305.9), dbSNP rs970626019, ClinGen allele CA124969939.

ClinVar aggregate classification (germline): Benign/Likely benign. Review status: criteria provided, multiple submitters, no conflicts (2 of 4 stars). 3 submissions from 3 submitters: Benign (1); Likely benign (2). Last evaluated 2024-08-21.

Conditions:
Familial adenomatous polyposis 1 (FAP1). Also called: FAMILIAL ADENOMATOUS POLYPOSIS 1, ATTENUATED; POLYPOSIS, ADENOMATOUS INTESTINAL. Identifiers: MedGen C2713442, MONDO:0021056, OMIM 175100. Disease mechanism: loss of function.
Hereditary cancer-predisposing syndrome. Also called: Tumor predisposition; Hereditary Cancer Syndrome; Neoplastic Syndromes, Hereditary; Hereditary neoplastic syndrome. Identifiers: Orphanet 140162, MedGen C0027672, MeSH D009386, MONDO:0015356.

Allele frequency attached by ClinVar (database versions not stated): gnomAD exomes below 0.00001.
gnomAD v4.1: 3 of 1,613,934 alleles (0.00019%); highest among the groups gnomAD compares: Non-Finnish European, 0.00025%; no homozygotes.

Submissions (3):

Labcorp Genetics (formerly Invitae), Labcorp
Classification: Likely benign for Familial adenomatous polyposis 1. Last evaluated: 2024-08-21. Review status: criteria provided, single submitter. Criteria: Invitae Variant Classification Sherloc (09022015). Collection method: clinical testing. Allele origin: germline.

Myriad Genetics, Inc.
Classification: Benign for Familial adenomatous polyposis 1. Last evaluated: 2024-02-29. Review status: criteria provided, single submitter. Criteria: Myriad Autosomal Dominant, Autosomal Recessive and X-Linked Classification Criteria (2023). Collection method: clinical testing. Allele origin: unknown.
Comment: This variant is considered benign. This variant is a silent/synonymous amino acid change and it is not expected to impact splicing.

Ambry Genetics
Classification: Likely benign for Hereditary cancer-predisposing syndrome. Last evaluated: 2019-08-26. Review status: criteria provided, single submitter. Criteria: Ambry Variant Classification Scheme 2023. Collection method: clinical testing. Allele origin: germline.